The following is an entry in ClinVar:

NM_000426.4(LAMA2):c.5284C>T (p.Arg1762Trp)

Gene: LAMA2 (laminin subunit alpha 2; plus strand). Cytogenetic location: 6q22.33.
Variant type: single nucleotide variant.
Coding change: c.5284C>T on transcript NM_000426.4 (MANE Select); coding-DNA position 5284, C replaced by T.
Protein change: p.Arg1762Trp; replaces arginine 1762 with tryptophan.
Molecular consequence: missense variant.
Genome position (GRCh38, 1-based): chr6:129,393,094, C>T. VCF-style: chr6-129393094-C-T. GRCh37 (hg19) VCF-style: chr6-129714239-C-T.
Other names: c.5284C>T, p.Arg1762Trp (NM_001079823.2); short protein forms R1762W.
Identifiers: ClinVar variation 862351 (VCV000862351.8), dbSNP rs746492572, ClinGen allele CA3993833.

ClinVar aggregate classification (germline): Conflicting classifications of pathogenicity. Review status: criteria provided, conflicting classifications (1 of 4 stars). 4 submissions from 4 submitters: Uncertain significance (3); Likely benign (1). Last evaluated 2025-12-29.

Conditions:
LAMA2-related muscular dystrophy (LAMA2-RD). Also called: Laminin alpha 2-related dystrophy. Identifiers: MedGen C5679788, MONDO:0100228.
Inborn genetic diseases. Identifiers: MedGen C0950123, MeSH D030342.

Allele frequency attached by ClinVar (database versions not stated): TOPMed 0.00003.
gnomAD v4.1: 33 of 1,613,570 alleles (0.002%); highest among the groups gnomAD compares: Admixed American, 0.0033%; no homozygotes.

Submissions (4):

Ambry Genetics
Classification: Likely benign for Inborn genetic diseases. Last evaluated: 2025-12-29. Review status: criteria provided, single submitter. Criteria: Ambry Variant Classification Scheme 2023. Collection method: clinical testing. Allele origin: germline.

Women's Health and Genetics/Laboratory Corporation of America, LabCorp
Classification: Uncertain significance. Last evaluated: 2025-12-11. Review status: criteria provided, single submitter. Criteria: LabCorp Variant Classification Summary - May 2015. Collection method: clinical testing. Allele origin: germline.
Comment: Variant summary: LAMA2 c.5284C>T (p.Arg1762Trp) results in a non-conservative amino acid change in the encoded protein sequence. Algorithms developed to predict the effect of missense changes on protein structure and function are either unavailable or do not agree on the potential impact of this missense change. The variant allele was found at a frequency of 2.4e-05 in 250530 control chromosomes. The available data on variant occurrences in the general population are insufficient to allow any conclusion about variant significance. To our knowledge, no occurrence of c.5284C>T in individuals affected with LAMA2-related conditions and no experimental evidence demonstrating its impact on protein function have been reported. ClinVar contains an entry for this variant (Variation ID: 862351). Based on the evidence outlined above, the variant was classified as uncertain significance.

Labcorp Genetics (formerly Invitae), Labcorp
Classification: Uncertain significance for LAMA2-related muscular dystrophy. Last evaluated: 2022-06-20. Review status: criteria provided, single submitter. Criteria: Invitae Variant Classification Sherloc (09022015). Collection method: clinical testing. Allele origin: germline.
Comment: This sequence change replaces arginine, which is basic and polar, with tryptophan, which is neutral and slightly polar, at codon 1762 of the LAMA2 protein (p.Arg1762Trp). This variant is present in population databases (rs746492572, gnomAD 0.004%). This variant has not been reported in the literature in individuals affected with LAMA2-related conditions. ClinVar contains an entry for this variant (Variation ID: 862351). Advanced modeling of protein sequence and biophysical properties (such as structural, functional, and spatial information, amino acid conservation, physicochemical variation, residue mobility, and thermodynamic stability) performed at Invitae indicates that this missense variant is not expected to disrupt LAMA2 protein function. In summary, the available evidence is currently insufficient to determine the role of this variant in disease. Therefore, it has been classified as a Variant of Uncertain Significance.

Revvity Omics, Revvity
Classification: Uncertain significance. Last evaluated: 2021-01-12. Review status: criteria provided, single submitter. Criteria: ACMG Guidelines, 2015. Collection method: clinical testing. Allele origin: germline.